The following is an entry in ClinVar:

ClinVar aggregate classification (germline): Uncertain significance. Review status: criteria provided, multiple submitters, no conflicts (2 of 4 stars). 2 submissions from 2 submitters: Uncertain significance (2). Last evaluated 2021-02-04.

Conditions:
Bethlem myopathy 2 (BTHLM2). Identifiers: Orphanet 536516, Orphanet 610, MedGen C4225313, MONDO:0034022, OMIM 616471.
Ullrich congenital muscular dystrophy 2 (UCMD2). Identifiers: Orphanet 75840, MedGen C4225314, MONDO:0014654, OMIM 616470.

Submissions (2):

Revvity Omics, Revvity
Classification: Uncertain significance. Last evaluated: 2021-02-04. Review status: criteria provided, single submitter. Criteria: ACMG Guidelines, 2015. Collection method: clinical testing. Allele origin: germline.

Labcorp Genetics (formerly Invitae), Labcorp
Classification: Uncertain significance for Bethlem myopathy 2; Ullrich congenital muscular dystrophy 2. Last evaluated: 2020-12-30. Review status: criteria provided, single submitter. Criteria: Invitae Variant Classification Sherloc (09022015). Collection method: clinical testing. Allele origin: germline.
Comment: In summary, the available evidence is currently insufficient to determine the role of this variant in disease. Therefore, it has been classified as a Variant of Uncertain Significance. Algorithms developed to predict the effect of missense changes on protein structure and function are either unavailable or do not agree on the potential impact of this missense change (SIFT: "Deleterious"; PolyPhen-2: "Benign"; Align-GVGD: "Class C0"). This variant has not been reported in the literature in individuals with COL12A1-related conditions. This variant is not present in population databases (ExAC no frequency). This sequence change replaces valine with isoleucine at codon 1478 of the COL12A1 protein (p.Val1478Ile). The valine residue is moderately conserved and there is a small physicochemical difference between valine and isoleucine.

NM_004370.6(COL12A1):c.4432G>A (p.Val1478Ile)

Gene: COL12A1 (collagen type XII alpha 1 chain; minus strand). Cytogenetic location: 6q13.
Variant type: single nucleotide variant.
Coding change: c.4432G>A on transcript NM_004370.6 (MANE Select); coding-DNA position 4432, G replaced by A.
Protein change: p.Val1478Ile; replaces valine 1478 with isoleucine.
Molecular consequence: missense variant.
Genome position (GRCh38, 1-based): chr6:75,146,230, C>T on the plus strand (G>A on the coding strand, the complement: COL12A1 is on the minus strand). VCF-style: chr6-75146230-C-T. GRCh37 (hg19) VCF-style: chr6-75855946-C-T.
Other names: c.940G>A, p.Val314Ile (NM_080645.3); c.4432G>A (NM_004370.5); short protein forms V314I, V1478I.
Identifiers: ClinVar variation 1470824 (VCV001470824.10), dbSNP rs1246887485, ClinGen allele CA364744112.
Genomic context (GRCh38, chr6:75,146,230, plus strand): 5'-CCACAGGCTGCCACTGCACATGCATGGTGGTAGGGCCAACATCATAAATATTCAGGCTGA[C>T]TACAGGCACTGGCACTTCCAAAACAGAAAAGCAGACCATCAGTCTAGTTCCTTTCATTCC-3'
Protein context (NP_004361.3, residues 1468-1488): GTEKTLPVPV[Val1478Ile]SLNIYDVGPT